The following is an entry in ClinVar:

NM_003590.5(CUL3):c.1058A>C (p.Asp353Ala)

Gene: CUL3 (cullin 3; minus strand). Cytogenetic location: 2q36.2.
Variant type: single nucleotide variant.
Coding change: c.1058A>C on transcript NM_003590.5 (MANE Select); coding-DNA position 1058, A replaced by C.
Protein change: p.Asp353Ala; replaces aspartic acid 353 with alanine.
Molecular consequence: missense variant.
Genome position (GRCh38, 1-based): chr2:224,506,104, T>G on the plus strand (A>C on the coding strand, the complement: CUL3 is on the minus strand). VCF-style: chr2-224506104-T-G. GRCh37 (hg19) VCF-style: chr2-225370821-T-G.
Other names: c.860A>C, p.Asp287Ala (NM_001257197.2); c.1076A>C, p.Asp359Ala (NM_001257198.2); short protein forms D359A, D287A, D353A.
Identifiers: ClinVar variation 2032695 (VCV002032695.4), dbSNP rs1189209020, ClinGen allele CA350828900.

ClinVar aggregate classification (germline): Uncertain significance (1 of 4 stars; one submission).

Allele frequency attached by ClinVar (database versions not stated): gnomAD exomes below 0.00001.
gnomAD v4.1: 1 of 1,604,572 alleles (0.000062%); highest among the groups gnomAD compares: Non-Finnish European, 0.000085%; no homozygotes.

Submission:

Labcorp Genetics (formerly Invitae), Labcorp
Classification: Uncertain significance. Last evaluated: 2022-10-13. Review status: criteria provided, single submitter. Criteria: Invitae Variant Classification Sherloc (09022015). Collection method: clinical testing. Allele origin: germline.
Comment: This sequence change replaces aspartic acid, which is acidic and polar, with alanine, which is neutral and non-polar, at codon 353 of the CUL3 protein (p.Asp353Ala). This variant is present in population databases (no rsID available, gnomAD 0.0009%). This variant has not been reported in the literature in individuals affected with CUL3-related conditions. This missense change has been observed in at least one individual who was not affected with CUL3-related conditions (Invitae). Advanced modeling of protein sequence and biophysical properties (such as structural, functional, and spatial information, amino acid conservation, physicochemical variation, residue mobility, and thermodynamic stability) performed at Invitae indicates that this missense variant is expected to disrupt CUL3 protein function. In summary, the available evidence is currently insufficient to determine the role of this variant in disease. Therefore, it has been classified as a Variant of Uncertain Significance.